The following is an entry in ClinVar:

NM_007294.4(BRCA1):c.1528T>A (p.Ser510Thr)

Gene: BRCA1 (BRCA1 DNA repair associated; minus strand). Cytogenetic location: 17q21.31.
Variant type: single nucleotide variant.
Coding change: c.1528T>A on transcript NM_007294.4 (MANE Select); coding-DNA position 1528, T replaced by A.
Protein change: p.Ser510Thr; replaces serine 510 with threonine.
Molecular consequence: missense variant. On other transcripts: intron variant (137).
Genome position (GRCh38, 1-based): chr17:43,094,003, A>T on the plus strand (T>A on the coding strand, the complement: BRCA1 is on the minus strand). VCF-style: chr17-43094003-A-T. GRCh37 (hg19) VCF-style: chr17-41246020-A-T.
Other names: c.1402T>A, p.Ser468Thr (NM_001407670.1, NM_001407671.1, NM_001407672.1 and 11 more transcripts); c.1405T>A, p.Ser469Thr (NM_001407674.1, NM_001407863.1, NM_001407919.1 and 19 more transcripts); c.1387T>A, p.Ser463Thr (NM_001407692.1, NM_001407694.1, NM_001407730.1 and 29 more transcripts); c.1384T>A, p.Ser462Thr (NM_001407749.1, NM_001407838.1, NM_001407839.1 and 20 more transcripts); c.1528T>A, p.Ser510Thr (NM_001407854.1, NM_001407858.1, NM_001407859.1 and 30 more transcripts); c.1525T>A, p.Ser509Thr (NM_001407860.1, NM_001407861.1, NM_001407615.1 and 22 more transcripts); c.1327T>A, p.Ser443Thr (NM_001407862.1); c.1324T>A, p.Ser442Thr (NM_001407874.1, NM_001407875.1); and 40 more; short protein forms S463T, S510T, S342T, S383T, S440T, S507T, S398T, S469T.
Identifiers: ClinVar variation 1315521 (VCV001315521.4), dbSNP rs777916645, ClinGen allele CA057329.

ClinVar aggregate classification (germline): Conflicting classifications of pathogenicity. Review status: criteria provided, conflicting classifications (1 of 4 stars). 2 submissions from 2 submitters: Uncertain significance (1); Likely benign (1). Last evaluated 2023-03-23.

Conditions:
Breast-ovarian cancer, familial, susceptibility to, 1 (BROVCA1). Also called: OVARIAN CANCER, SUSCEPTIBILITY TO; BRCA1 Hereditary Breast and Ovarian Cancer. Identifiers: Orphanet 145, MedGen C2676676, MONDO:0011450, OMIM 604370. Disease mechanism: loss of function.
Hereditary cancer-predisposing syndrome. Also called: Tumor predisposition; Hereditary Cancer Syndrome; Hereditary neoplastic syndrome; Neoplastic Syndromes, Hereditary. Identifiers: Orphanet 140162, MedGen C0027672, MeSH D009386, MONDO:0015356.

Allele frequency attached by ClinVar (database versions not stated): gnomAD exomes 0.00001 and below 0.00001; ExAC 0.00001.
gnomAD v4.1: 2 of 1,613,924 alleles (0.00012%); highest among the groups gnomAD compares: South Asian, 0.0022%; no homozygotes.

Submissions (2):

University of Washington Department of Laboratory Medicine, University of Washington
Classification: Likely benign for Hereditary cancer-predisposing syndrome. Last evaluated: 2023-03-23. Review status: criteria provided, single submitter. Criteria: Dines et al. (Genet Med. 2020). Collection method: curation. Allele origin: germline.
Comment: Missense variant in a coldspot region where missense variants are very unlikely to be pathogenic (PMID:31911673).

BRCA1 coldspot (exon 11 using historical exon numbering). Reclassification based on statistical prior probability

Molecular Endocrinology Laboratory, Christian Medical College
Classification: Uncertain significance for Breast-ovarian cancer, familial, susceptibility to, 1. Review status: criteria provided, single submitter. Criteria: ACMG Guidelines, 2015. Collection method: clinical testing. Allele origin: germline. Affected: yes.